The following is an entry in ClinVar:

ClinVar aggregate classification (germline): Conflicting classifications of pathogenicity. Review status: criteria provided, conflicting classifications (1 of 4 stars). 3 submissions from 3 submitters: Uncertain significance (2); Likely benign (1). Last evaluated 2025-12-16.

Conditions:
Osteogenesis imperfecta type I (OI1). Also called: Osteogenesis imperfecta type 1; Lobstein's Disease; Classic Non-deforming Osteogenesis Imperfecta with Blue Sclerae; Lobstein disease; OI, TYPE I; OSTEOGENESIS IMPERFECTA TARDA. Identifiers: Orphanet 216796, Orphanet 666, MedGen C0023931, MONDO:0008146, OMIM 166200. Disease mechanism: loss of function.

Allele frequency attached by ClinVar (database versions not stated): gnomAD exomes below 0.00001.

Submissions (3):

Labcorp Genetics (formerly Invitae), Labcorp
Classification: Likely benign for Osteogenesis imperfecta type I. Last evaluated: 2025-12-16. Review status: criteria provided, single submitter. Criteria: Invitae Variant Classification Sherloc (09022015). Collection method: clinical testing. Allele origin: germline.

ARUP Laboratories, Molecular Genetics and Genomics, ARUP Laboratories
Classification: Uncertain significance. Last evaluated: 2024-07-10. Review status: criteria provided, single submitter. Criteria: ARUP Molecular Germline Variant Investigation Process 2024. Collection method: clinical testing. Allele origin: germline.
Comment: The COL1A1 c.4058C>A; p.Thr1353Asn variant (rs982770651), to our knowledge, is not reported in the medical literature but is reported in ClinVar (Variation ID: 618573). This variant is only observed on one allele in the Genome Aggregation Database (v2.1.1), indicating it is not a common polymorphism. Computational analyses are uncertain whether this variant is neutral or deleterious (REVEL: 0.624). Due to limited information, the clinical significance of this variant is uncertain at this time.

Blueprint Genetics
Classification: Uncertain significance. Last evaluated: 2022-11-07. Review status: criteria provided, single submitter. Criteria: ACMG Guidelines, 2015. Collection method: clinical testing. Allele origin: germline.

NM_000088.4(COL1A1):c.4058C>A (p.Thr1353Asn)

Gene: COL1A1 (collagen type I alpha 1 chain; minus strand). Cytogenetic location: 17q21.33.
Variant type: single nucleotide variant.
Coding change: c.4058C>A on transcript NM_000088.4 (MANE Select); coding-DNA position 4058, C replaced by A.
Protein change: p.Thr1353Asn; replaces threonine 1353 with asparagine.
Molecular consequence: missense variant.
Genome position (GRCh38, 1-based): chr17:50,185,968, G>T on the plus strand (C>A on the coding strand, the complement: COL1A1 is on the minus strand). VCF-style: chr17-50185968-G-T. GRCh37 (hg19) VCF-style: chr17-48263329-G-T.
Other names: short protein forms T1353N.
Identifiers: ClinVar variation 618573 (VCV000618573.15), dbSNP rs982770651, ClinGen allele CA291542806.
Genomic context (GRCh38, chr17:50,185,968, plus strand): 5'-CTGTTCTTGCAGTGGTAGGTGATGTTCTGGGAGGCCTCGGTGGACATCAGGCGCAGGAAG[G>T]TCAGCTGGATGGCCACATCGGCAGGGTCGGAGCCCTGGCCGCCATACTCGAACTGCAGGG-3'
Protein context (NP_000079.2, residues 1343-1363): SDPADVAIQL[Thr1353Asn]FLRLMSTEAS